The following is an entry in ClinVar:

NM_005676.5(RBM10):c.97G>A (p.Asp33Asn)

Gene: RBM10 (RNA binding motif protein 10; plus strand). Cytogenetic location: Xp11.3.
Variant type: single nucleotide variant.
Coding change: c.97G>A on transcript NM_005676.5 (MANE Select); coding-DNA position 97, G replaced by A.
Protein change: p.Asp33Asn; replaces aspartic acid 33 with asparagine.
Molecular consequence: missense variant.
Genome position (GRCh38, 1-based): chrX:47,169,394, G>A. VCF-style: chrX-47169394-G-A. GRCh37 (hg19) VCF-style: chrX-47028793-G-A.
Other names: c.97G>A, p.Asp33Asn (NM_001204466.2, NM_001204467.2, NM_152856.3); c.292G>A, p.Asp98Asn (NM_001204468.2); short protein forms D98N, D33N.
Identifiers: ClinVar variation 2884814 (VCV002884814.3), dbSNP rs782092488, ClinGen allele CA10395044.

ClinVar aggregate classification (germline): Uncertain significance (1 of 4 stars; one submission).

Allele frequency attached by ClinVar (database versions not stated): ExAC 0.00001; gnomAD exomes below 0.00001.

Submission:

Labcorp Genetics (formerly Invitae), Labcorp
Classification: Uncertain significance. Last evaluated: 2025-04-21. Review status: criteria provided, single submitter. Criteria: Invitae Variant Classification Sherloc (09022015). Collection method: clinical testing. Allele origin: germline.
Comment: This sequence change replaces aspartic acid, which is acidic and polar, with asparagine, which is neutral and polar, at codon 33 of the RBM10 protein (p.Asp33Asn). This variant is present in population databases (rs782092488, gnomAD 0.004%). This variant has not been reported in the literature in individuals affected with RBM10-related conditions. ClinVar contains an entry for this variant (Variation ID: 2884814). An algorithm developed to predict the effect of missense changes on protein structure and function (PolyPhen-2) suggests that this variant is likely to be disruptive. In summary, the available evidence is currently insufficient to determine the role of this variant in disease. Therefore, it has been classified as a Variant of Uncertain Significance.